The following is an entry in ClinVar:

NM_032608.7(MYO18B):c.3476T>C (p.Met1159Thr)

Gene: MYO18B (myosin XVIIIB; plus strand). Cytogenetic location: 22q12.1.
Variant type: single nucleotide variant.
Coding change: c.3476T>C on transcript NM_032608.7 (MANE Select); coding-DNA position 3476, T replaced by C.
Protein change: p.Met1159Thr; replaces methionine 1159 with threonine.
Molecular consequence: missense variant.
Genome position (GRCh38, 1-based): chr22:25,846,207, T>C. VCF-style: chr22-25846207-T-C. GRCh37 (hg19) VCF-style: chr22-26242174-T-C.
Other names: c.3479T>C, p.Met1160Thr (NM_001318245.2); c.3476T>C (NM_032608.5); short protein forms M1159T, M1160T.
Identifiers: ClinVar variation 1509528 (VCV001509528.9), dbSNP rs562988977, ClinGen allele CA10160572.
Genomic context (GRCh38, chr22:25,846,207, plus strand): 5'-TGTGCCGGGCTGTGGCAGGCCTGGAGGGCACCTCCCAGCAGGCCCTGCAGAGGAGCCGCA[T>C]GGTGAGGAGGACCTTTGCCAGCAGCCTTGCCGCGGTGAGGAGGAAAGCCCCGTGCTCCCA-3'
Protein context (NP_115997.5, residues 1149-1169): TSQQALQRSR[Met1159Thr]VRRTFASSLA

ClinVar aggregate classification (germline): Uncertain significance. Review status: criteria provided, multiple submitters, no conflicts (2 of 4 stars). 3 submissions from 3 submitters: Uncertain significance (3). Last evaluated 2025-08-13.

Conditions:
Inborn genetic diseases. Identifiers: MedGen C0950123, MeSH D030342.

Allele frequency attached by ClinVar (database versions not stated): gnomAD exomes 0.00001 and 0.00002; ExAC 0.00004; TOPMed 0.00008; gnomAD 0.00009; 1000 Genomes Project 30x 0.00016; 1000 Genomes Project 0.00020.

Submissions (3):

Ambry Genetics
Classification: Uncertain significance for Inborn genetic diseases. Last evaluated: 2025-08-13. Review status: criteria provided, single submitter. Criteria: Ambry Variant Classification Scheme 2023. Collection method: clinical testing. Allele origin: germline.

Women's Health and Genetics/Laboratory Corporation of America, LabCorp
Classification: Uncertain significance. Last evaluated: 2024-03-21. Review status: criteria provided, single submitter. Criteria: LabCorp Variant Classification Summary - May 2015. Collection method: clinical testing. Allele origin: germline.
Comment: Variant summary: MYO18B c.3476T>C (p.Met1159Thr) results in a non-conservative amino acid change in the encoded protein sequence. Four of five in-silico tools predict a benign effect of the variant on protein function. The variant allele was found at a frequency of 2.4e-05 in 248292 control chromosomes (gnomAD). The available data on variant occurrences in the general population are insufficient to allow any conclusion about variant significance. To our knowledge, no occurrence of c.3476T>C in individuals affected with Klippel-Feil Anomaly-Myopathy Dysmorphism Syndrome and no experimental evidence demonstrating its impact on protein function have been reported. ClinVar contains an entry for this variant (Variation ID: 1509528). Based on the evidence outlined above, the variant was classified as uncertain significance.

Labcorp Genetics (formerly Invitae), Labcorp
Classification: Uncertain significance. Last evaluated: 2022-04-06. Review status: criteria provided, single submitter. Criteria: Invitae Variant Classification Sherloc (09022015). Collection method: clinical testing. Allele origin: germline.
Comment: This sequence change replaces methionine, which is neutral and non-polar, with threonine, which is neutral and polar, at codon 1159 of the MYO18B protein (p.Met1159Thr). This variant is present in population databases (rs562988977, gnomAD 0.02%). This variant has not been reported in the literature in individuals affected with MYO18B-related conditions. Algorithms developed to predict the effect of missense changes on protein structure and function output the following: SIFT: "Not Available"; PolyPhen-2: "Benign"; Align-GVGD: "Not Available". The threonine amino acid residue is found in multiple mammalian species, which suggests that this missense change does not adversely affect protein function. In summary, the available evidence is currently insufficient to determine the role of this variant in disease. Therefore, it has been classified as a Variant of Uncertain Significance.